The following is an entry in ClinVar:

NM_000038.6(APC):c.7049C>A (p.Ser2350Tyr)

Gene: APC (APC regulator of Wnt signaling pathway; plus strand). Cytogenetic location: 5q22.2.
Variant type: single nucleotide variant.
Coding change: c.7049C>A on transcript NM_000038.6 (MANE Select); coding-DNA position 7049, C replaced by A.
Protein change: p.Ser2350Tyr; replaces serine 2350 with tyrosine.
Molecular consequence: missense variant.
Genome position (GRCh38, 1-based): chr5:112,842,643, C>A. VCF-style: chr5-112842643-C-A. GRCh37 (hg19) VCF-style: chr5-112178340-C-A.
Other names: c.7049C>A, p.Ser2350Tyr (NM_001127510.3, NM_001354895.2); c.6995C>A, p.Ser2332Tyr (NM_001127511.3); c.7103C>A, p.Ser2368Tyr (NM_001354896.2); c.7079C>A, p.Ser2360Tyr (NM_001354897.2); c.6974C>A, p.Ser2325Tyr (NM_001354898.2); c.6965C>A, p.Ser2322Tyr (NM_001354899.2); c.6926C>A, p.Ser2309Tyr (NM_001354900.2); c.6872C>A, p.Ser2291Tyr (NM_001354901.2); and 5 more; short protein forms S2332Y, S2350Y, S2259Y, S2224Y, S2291Y, S2368Y, S2309Y, S2067Y.
Identifiers: ClinVar variation 82634 (VCV000082634.15), dbSNP rs75207119, ClinGen allele CA012776.

ClinVar aggregate classification (germline): Uncertain significance. Review status: criteria provided, multiple submitters, no conflicts (2 of 4 stars). 5 submissions from 5 submitters: Uncertain significance (4). 1 of the submissions does not count toward it. Last evaluated 2025-04-21.

Conditions:
Familial adenomatous polyposis 1 (FAP1). Also called: POLYPOSIS, ADENOMATOUS INTESTINAL; FAMILIAL ADENOMATOUS POLYPOSIS 1, ATTENUATED. Identifiers: MedGen C2713442, MONDO:0021056, OMIM 175100. Disease mechanism: loss of function.
Hereditary cancer-predisposing syndrome. Also called: Tumor predisposition; Hereditary Cancer Syndrome; Hereditary neoplastic syndrome; Neoplastic Syndromes, Hereditary. Identifiers: Orphanet 140162, MedGen C0027672, MeSH D009386, MONDO:0015356.
Familial colorectal cancer. Identifiers: MedGen CN280943, MONDO:0023113. Disease mechanism: loss of function.

gnomAD v4.1: 1 of 1,613,840 alleles (0.000062%); highest among the groups gnomAD compares: East Asian, 0.0022%; no homozygotes.

Submissions (5):

Labcorp Genetics (formerly Invitae), Labcorp
Classification: Uncertain significance for Familial adenomatous polyposis 1. Last evaluated: 2025-04-21. Review status: criteria provided, single submitter. Criteria: Invitae Variant Classification Sherloc (09022015). Collection method: clinical testing. Allele origin: germline.
Comment: This sequence change replaces serine, which is neutral and polar, with tyrosine, which is neutral and polar, at codon 2350 of the APC protein (p.Ser2350Tyr). This variant is not present in population databases (gnomAD no frequency). This variant has not been reported in the literature in individuals affected with APC-related conditions. ClinVar contains an entry for this variant (Variation ID: 82634). Invitae Evidence Modeling of protein sequence and biophysical properties (such as structural, functional, and spatial information, amino acid conservation, physicochemical variation, residue mobility, and thermodynamic stability) indicates that this missense variant is not expected to disrupt APC protein function with a negative predictive value of 95%. In summary, the available evidence is currently insufficient to determine the role of this variant in disease. Therefore, it has been classified as a Variant of Uncertain Significance.

Ambry Genetics
Classification: Uncertain significance for Hereditary cancer-predisposing syndrome. Last evaluated: 2025-01-05. Review status: criteria provided, single submitter. Criteria: Ambry Variant Classification Scheme 2023. Collection method: clinical testing. Allele origin: germline.
Comment: The p.S2350Y variant (also known as c.7049C>A), located in coding exon 15 of the APC gene, results from a C to A substitution at nucleotide position 7049. The serine at codon 2350 is replaced by tyrosine, an amino acid with dissimilar properties. This amino acid position is conserved. In addition, in silico predictors for this gene do not accurately predict pathogenicity. Based on the available evidence, the clinical significance of this variant remains unclear.

GeneDx
Classification: Uncertain significance. Last evaluated: 2023-03-17. Review status: criteria provided, single submitter. Criteria: GeneDx Variant Classification Process June 2021. Collection method: clinical testing. Allele origin: germline. Affected: yes.
Comment: Not observed at significant frequency in large population cohorts (gnomAD); In silico analysis supports that this missense variant has a deleterious effect on protein structure/function; Has not been previously published as pathogenic or benign to our knowledge; This variant is associated with the following publications: (PMID: 18199528)

Color Diagnostics, LLC DBA Color Health
Classification: Uncertain significance for Hereditary cancer-predisposing syndrome. Last evaluated: 2022-01-21. Review status: criteria provided, single submitter. Criteria: ACMG Guidelines, 2015. Collection method: clinical testing. Allele origin: germline.
Comment: This missense variant replaces serine with tyrosine at codon 2350 of the APC protein. Computational prediction is inconclusive regarding the impact of this variant on protein structure and function (internally defined REVEL score threshold 0.5 < inconclusive < 0.7, PMID: 27666373). To our knowledge, functional studies have not been reported for this variant. This variant has not been reported in individuals affected with hereditary cancer in the literature. This variant has not been identified in the general population by the Genome Aggregation Database (gnomAD). The available evidence is insufficient to determine the role of this variant in disease conclusively. Therefore, this variant is classified as a Variant of Uncertain Significance.

Systems Biology Platform Zhejiang California International NanoSystems Institute
Classification: other for Familial colorectal cancer. Review status: no assertion criteria provided. Collection method: not provided. Allele origin: unknown. Not counted in ClinVar's aggregate classification.
ClinVar note: Converted during submission from cancer to other.